The following is an entry in ClinVar:

NM_001039660.2(IL18BP):c.191G>T (p.Cys64Phe)

Gene: IL18BP (interleukin 18 binding protein; plus strand). Cytogenetic location: 11q13.4.
Variant type: single nucleotide variant.
Coding change: c.191G>T on transcript NM_001039660.2 (MANE Select); coding-DNA position 191, G replaced by T.
Protein change: p.Cys64Phe; replaces cysteine 64 with phenylalanine.
Molecular consequence: missense variant.
Genome position (GRCh38, 1-based): chr11:72,000,513, G>T. VCF-style: chr11-72000513-G-T. GRCh37 (hg19) VCF-style: chr11-71711559-G-T.
Other names: c.191G>T, p.Cys64Phe (NM_001039659.2, NM_001145055.1, NM_001145057.1 and 3 more transcripts); short protein forms C64F.
Identifiers: ClinVar variation 2026112 (VCV002026112.4), dbSNP rs982505029, ClinGen allele CA224378473.

ClinVar aggregate classification (germline): Uncertain significance (1 of 4 stars; one submission).

Allele frequency attached by ClinVar (database versions not stated): TOPMed 0.00001; gnomAD 0.00002.

Submission:

Labcorp Genetics (formerly Invitae), Labcorp
Classification: Uncertain significance. Last evaluated: 2023-12-07. Review status: criteria provided, single submitter. Criteria: Invitae Variant Classification Sherloc (09022015). Collection method: clinical testing. Allele origin: germline.
Comment: This sequence change replaces cysteine, which is neutral and slightly polar, with phenylalanine, which is neutral and non-polar, at codon 64 of the IL18BP protein (p.Cys64Phe). This variant is present in population databases (no rsID available, gnomAD 0.02%). This variant has not been reported in the literature in individuals affected with IL18BP-related conditions. ClinVar contains an entry for this variant (Variation ID: 2026112). An algorithm developed to predict the effect of missense changes on protein structure and function (PolyPhen-2) suggests that this variant is likely to be disruptive. In summary, the available evidence is currently insufficient to determine the role of this variant in disease. Therefore, it has been classified as a Variant of Uncertain Significance.